The following is an entry in ClinVar:

NM_031466.8(TRAPPC9):c.-286_-285delinsCC

Gene: TRAPPC9 (trafficking protein particle complex subunit 9; minus strand). Cytogenetic location: 8q24.3.
Variant type: Indel.
Coding change: c.-286_-285delinsCC on transcript NM_031466.8; 286 bases upstream of the start codon through 285 bases upstream of the start codon, AG replaced by CC.
Molecular consequence: 5 prime UTR variant.
Genome position (GRCh38, 1-based): chr8:140,458,555-140,458,556, CT replaced by GG on the plus strand (AG replaced by CC on the coding strand, the reverse complement: TRAPPC9 is on the minus strand). VCF-style: chr8-140458555-CT-GG. GRCh37 (hg19) VCF-style: chr8-141468654-CT-GG.
Identifiers: ClinVar variation 1349345 (VCV001349345.5), dbSNP rs2132764068, ClinGen allele CA2573142976.

ClinVar aggregate classification (germline): Uncertain significance (1 of 4 stars; one submission).

Submission:

Labcorp Genetics (formerly Invitae), Labcorp
Classification: Uncertain significance. Last evaluated: 2021-11-15. Review status: criteria provided, single submitter. Criteria: Invitae Variant Classification Sherloc (09022015). Collection method: clinical testing. Allele origin: germline.
Comment: In summary, the available evidence is currently insufficient to determine the role of this variant in disease. Therefore, it has been classified as a Variant of Uncertain Significance. Experimental studies and prediction algorithms are not available or were not evaluated, and the functional significance of this variant is currently unknown. This missense change has been observed in individual(s) with TRAPPC9-related conditions (Invitae). Information on the frequency of this variant in the gnomAD database is not available, as this variant may be reported differently in the database. This sequence change replaces alanine, which is neutral and non-polar, with proline, which is neutral and non-polar, at codon 4 of the TRAPPC9 protein (p.Ala4Pro).